The following is an entry in ClinVar:

ClinVar aggregate classification (germline): Likely benign (1 of 4 stars; one submission).

Allele frequency attached by ClinVar (database versions not stated): ExAC 0.00016; gnomAD 0.00016; ESP Exome Variant Server 0.00017.
gnomAD v4.1: 211 of 1,614,012 alleles (0.013%); highest among the groups gnomAD compares: Middle Eastern, 0.16%; no homozygotes.

Submission:

CeGaT Center for Human Genetics Tuebingen
Classification: Likely benign. Last evaluated: 2022-05-01. Review status: criteria provided, single submitter. Criteria: CeGaT Center For Human Genetics Tuebingen Variant Classification Criteria Version 2. Collection method: clinical testing. Allele origin: germline. Affected: yes. Observed: 1 variant allele.
Comment: KIR2DL3: BP4, BP7

NM_015868.3(KIR2DL3):c.6G>A (p.Ser2=)

Gene: KIR2DL3 (killer cell immunoglobulin like receptor, two Ig domains and long cytoplasmic tail 3). Cytogenetic location: 19q13.42.
Variant type: single nucleotide variant.
Coding change: c.6G>A on transcript NM_015868.3 (MANE Select); coding-DNA position 6, G replaced by A.
Protein change: p.Ser2=; no amino-acid change (serine 2 retained).
Molecular consequence: synonymous variant.
Genome position (GRCh38, 1-based): chr19:54,738,551, G>A. VCF-style: chr19-54738551-G-A. GRCh37 (hg19) VCF-style: chr19-55250016-G-A.
Identifiers: ClinVar variation 2650459 (VCV002650459.24), dbSNP rs374653140, ClinGen allele CA309854927.
Genomic context (GRCh38, chr19:54,738,551, plus strand): 5'-CTGTGCGCTGCTGAGCTGAGCTGGGGCGCGGCCGCCTGTCTGCACAGACAGCACCATGTC[G>A]CTCATGGTCGTCAGCATGGTGTGTGTTGGTGAGTCCTGGAAGGGCATCGAGGGAGGGAGT-3'
Protein context (NP_056952.2, residues 1-12): M[Ser2=]LMVVSMVCVG